The following is an entry in ClinVar:

NM_007294.4(BRCA1):c.3436T>G (p.Cys1146Gly)

Genes: BRCA1 (BRCA1 DNA repair associated; minus strand), LOC126862571 (BRD4-independent group 4 enhancer GRCh37_chr17:41243136-41244335; plus strand). Cytogenetic location: 17q21.31.
Variant type: single nucleotide variant.
Coding change: c.3436T>G on transcript NM_007294.4 (MANE Select); coding-DNA position 3436, T replaced by G.
Protein change: p.Cys1146Gly; replaces cysteine 1146 with glycine.
Molecular consequence: missense variant. On other transcripts: intron variant (135).
Genome position (GRCh38, 1-based): chr17:43,092,095, A>C on the plus strand (T>G on the coding strand, the complement: BRCA1 is on the minus strand). VCF-style: chr17-43092095-A-C. GRCh37 (hg19) VCF-style: chr17-41244112-A-C.
Other names: c.3226T>G, p.Cys1076Gly (NM_001407882.1, NM_001407884.1, NM_001407885.1 and 13 more transcripts); c.647-1063T>G (NM_001408454.1, NM_001408458.1, NM_001408469.1 and 11 more transcripts); c.707-1063T>G (NM_001408413.1, NM_001408416.1); c.587-1063T>G (NM_001408476.1, NM_001408474.1); c.710-1063T>G (NM_001408409.1, NM_001408412.1, NM_001408414.1 and 2 more transcripts); c.578-1063T>G (NM_001408489.1, NM_001408479.1, NM_001408481.1 and 9 more transcripts); c.662-1063T>G (NM_001408445.1, NM_001408432.1, NM_001408446.1 and 6 more transcripts); c.575-1063T>G (NM_001408493.1, NM_001408490.1, NM_001408491.1); and 41 more; short protein forms C1146G, C1099G, C1058G, C850G, C1034G, C1035G, C1057G, C1075G.
Identifiers: ClinVar variation 628831 (VCV000628831.7), dbSNP rs1567791612, ClinGen allele CA10595110.

ClinVar aggregate classification (germline): Conflicting classifications of pathogenicity. Review status: criteria provided, conflicting classifications (1 of 4 stars). 2 submissions from 2 submitters: Uncertain significance (1); Likely benign (1). Last evaluated 2023-03-23.

Conditions:
Hereditary cancer-predisposing syndrome. Also called: Neoplastic Syndromes, Hereditary; Tumor predisposition; Hereditary neoplastic syndrome; Hereditary Cancer Syndrome. Identifiers: Orphanet 140162, MedGen C0027672, MeSH D009386, MONDO:0015356.

Submissions (2):

University of Washington Department of Laboratory Medicine, University of Washington
Classification: Likely benign for Hereditary cancer-predisposing syndrome. Last evaluated: 2023-03-23. Review status: criteria provided, single submitter. Criteria: Dines et al. (Genet Med. 2020). Collection method: curation. Allele origin: germline.
Comment: Missense variant in a coldspot region where missense variants are very unlikely to be pathogenic (PMID:31911673).

BRCA1 coldspot (exon 11 using historical exon numbering). Reclassification based on statistical prior probability

Color Diagnostics, LLC DBA Color Health
Classification: Uncertain significance for Hereditary cancer-predisposing syndrome. Last evaluated: 2020-11-10. Review status: criteria provided, single submitter. Criteria: ACMG Guidelines, 2015. Collection method: clinical testing. Allele origin: germline.
Comment: This missense variant replaces cysteine with glycine at codon 1146 of the BRCA1 protein. Computational prediction is inconclusive regarding the impact of this variant on protein structure and function (internally defined REVEL score threshold 0.5 < inconclusive < 0.7, PMID: 27666373). To our knowledge, functional studies have not been reported for this variant. This variant has not been reported in individuals affected with hereditary cancer in the literature. This variant has not been identified in the general population by the Genome Aggregation Database (gnomAD). The available evidence is insufficient to determine the role of this variant in disease conclusively. Therefore, this variant is classified as a Variant of Uncertain Significance.